The following is an entry in ClinVar:

NM_006922.4(SCN3A):c.3412T>G (p.Ser1138Ala)

Gene: SCN3A (sodium voltage-gated channel alpha subunit 3; minus strand). Cytogenetic location: 2q24.3.
Variant type: single nucleotide variant.
Coding change: c.3412T>G on transcript NM_006922.4 (MANE Select); coding-DNA position 3412, T replaced by G.
Protein change: p.Ser1138Ala; replaces serine 1138 with alanine.
Molecular consequence: missense variant.
Genome position (GRCh38, 1-based): chr2:165,115,557, A>C on the plus strand (T>G on the coding strand, the complement: SCN3A is on the minus strand). VCF-style: chr2-165115557-A-C. GRCh37 (hg19) VCF-style: chr2-165972067-A-C.
Other names: c.3265T>G, p.Ser1089Ala (NM_001081676.2, NM_001081677.2); short protein forms S1089A, S1138A.
Identifiers: ClinVar variation 2580564 (VCV002580564.1), dbSNP rs2105717636, ClinGen allele CA349035927.
Genomic context (GRCh38, chr2:165,115,557, plus strand): 5'-CAGTTTCAGCTTGTTCACCTTCTCGGGGTAGAACAACATCAACTGTGCTTCCTTCAGATG[A>C]GCTGGTTGCATTTAATTTCTGGAAACAAAATCCCATTTCAAAGATGTGATTTTCCCCCTT-3'
Protein context (NP_008853.3, residues 1128-1148): ESKEKLNATS[Ser1138Ala]SEGSTVDVVL

ClinVar aggregate classification (germline): Uncertain significance (1 of 4 stars; one submission).

Submission:

GeneDx
Classification: Uncertain significance. Last evaluated: 2023-03-24. Review status: criteria provided, single submitter. Criteria: GeneDx Variant Classification Process June 2021. Collection method: clinical testing. Allele origin: germline. Affected: yes.
Comment: Not observed at significant frequency in large population cohorts (gnomAD); In silico analysis supports that this missense variant does not alter protein structure/function; Has not been previously published as pathogenic or benign to our knowledge